The following is an entry in ClinVar:

NM_015634.4(KIFBP):c.541C>T (p.Leu181Phe)

Gene: KIFBP (kinesin family binding protein; plus strand). Cytogenetic location: 10q22.1.
Variant type: single nucleotide variant.
Coding change: c.541C>T on transcript NM_015634.4 (MANE Select); coding-DNA position 541, C replaced by T.
Protein change: p.Leu181Phe; replaces leucine 181 with phenylalanine.
Molecular consequence: missense variant.
Genome position (GRCh38, 1-based): chr10:69,005,061, C>T. VCF-style: chr10-69005061-C-T. GRCh37 (hg19) VCF-style: chr10-70764817-C-T.
Other names: short protein forms L181F.
Identifiers: ClinVar variation 1807045 (VCV001807045.3), dbSNP rs1047715298, ClinGen allele CA209205883.

ClinVar aggregate classification (germline): Uncertain significance. Review status: criteria provided, multiple submitters, no conflicts (2 of 4 stars). 2 submissions from 2 submitters: Uncertain significance (2). Last evaluated 2023-12-09.

Allele frequency attached by ClinVar (database versions not stated): gnomAD exomes 0.00002; gnomAD 0.00008; TOPMed 0.00009.
gnomAD v4.1: 25 of 1,613,360 alleles (0.0015%); highest among the groups gnomAD compares: Admixed American, 0.017%; no homozygotes.

Submissions (2):

Ambry Genetics
Classification: Uncertain significance. Last evaluated: 2023-12-09. Review status: criteria provided, single submitter. Criteria: Ambry Variant Classification Scheme 2023. Collection method: clinical testing. Allele origin: germline.

Athena Diagnostics
Classification: Uncertain significance. Last evaluated: 2022-09-19. Review status: criteria provided, single submitter. Criteria: Athena Diagnostics Criteria. Collection method: clinical testing. Allele origin: unknown.
Comment: Available data are insufficient to determine the clinical significance of the variant at this time. The frequency of this variant in the general population is uninformative in assessment of its pathogenicity. Computational tools predict that this variant is not damaging.